The following is an entry in ClinVar:

NM_005850.5(SF3B4):c.61del (p.Asp21fs)

Gene: SF3B4 (splicing factor 3b subunit 4; minus strand). Cytogenetic location: 1q21.2.
Variant type: Deletion.
Coding change: c.61del on transcript NM_005850.5 (MANE Select); coding-DNA position 61, one base deleted (G; older notation c.61delG).
Protein change: p.Asp21fs; shifts the reading frame from aspartic acid 21.
Molecular consequence: frameshift variant.
Genome position (GRCh38, 1-based): chr1:149,927,268, C deleted on the plus strand (G on the coding strand, the reverse complement: SF3B4 is on the minus strand); the first of 2 consecutive C bases (chr1:149,927,268-149,927,269); deleting either gives the same sequence. VCF-style (leftmost placement, unchanged base first): chr1-149927267-TC-T. GRCh37 (hg19) VCF-style: chr1-149899159-TC-T.
Other names: short protein forms D21fs.
Identifiers: ClinVar variation 4712491 (VCV004712491.1).

ClinVar aggregate classification (germline): Pathogenic (1 of 4 stars; one submission).

Submission:

Labcorp Genetics (formerly Invitae), Labcorp
Classification: Pathogenic. Last evaluated: 2025-02-06. Review status: criteria provided, single submitter. Criteria: Invitae Variant Classification Sherloc (09022015). Collection method: clinical testing. Allele origin: germline.
Comment: This sequence change creates a premature translational stop signal (p.Asp21Metfs*19) in the SF3B4 gene. It is expected to result in an absent or disrupted protein product. Loss-of-function variants in SF3B4 are known to be pathogenic (PMID: 22541558, 23568615). This variant is not present in population databases (gnomAD no frequency). This variant has not been reported in the literature in individuals affected with SF3B4-related conditions. For these reasons, this variant has been classified as Pathogenic.

Literature cited by the submitters: PubMed 22541558; PubMed 23568615.